The following is an entry in ClinVar:

ClinVar aggregate classification (germline): Pathogenic/Likely pathogenic. Review status: criteria provided, multiple submitters, no conflicts (2 of 4 stars). 3 submissions from 3 submitters: Pathogenic (1); Likely pathogenic (2). Last evaluated 2023-09-18.

Conditions:
Hereditary nonpolyposis colorectal neoplasms. Identifiers: MedGen C0009405, MeSH D003123.
Lynch syndrome 4 (LYNCH4). Also called: Hereditary non-polyposis colorectal cancer, type 4; Colorectal cancer, hereditary nonpolyposis, type 4. Identifiers: Orphanet 144, MedGen C1838333, MONDO:0013699, OMIM 614337. Disease mechanism: loss of function.
Hereditary cancer-predisposing syndrome. Also called: Hereditary neoplastic syndrome; Tumor predisposition; Neoplastic Syndromes, Hereditary; Hereditary Cancer Syndrome. Identifiers: Orphanet 140162, MedGen C0027672, MeSH D009386, MONDO:0015356.

Allele frequency attached by ClinVar (database versions not stated): gnomAD exomes below 0.00001; TOPMed below 0.00001.

Submissions (3):

Myriad Genetics, Inc.
Classification: Likely pathogenic for Lynch syndrome 4. Last evaluated: 2023-09-18. Review status: criteria provided, single submitter. Criteria: Myriad Autosomal Dominant, Autosomal Recessive and X-Linked Classification Criteria (2023). Collection method: clinical testing. Allele origin: unknown.
Comment: This variant is considered likely pathogenic. This variant occurs within a consensus splice junction and is predicted to result in abnormal mRNA splicing of either an out-of-frame exon or an in-frame exon necessary for protein stability and/or normal function.

Ambry Genetics
Classification: Pathogenic for Hereditary cancer-predisposing syndrome. Last evaluated: 2021-12-20. Review status: criteria provided, single submitter. Criteria: Ambry Variant Classification Scheme 2023. Collection method: clinical testing. Allele origin: germline.
Comment: The c.251-1G>T intronic pathogenic mutation results from a G to T substitution one nucleotide upstream from coding exon 4 of the PMS2 gene. Another alteration impacting the same acceptor site (c.251-2A>T) has been detected in individuals whose Lynch syndrome-associated tumors demonstrated isolated loss of PMS2 expression by immunohistochemistry (Ambry internal data). In silico splice site analysis predicts that this alteration will weaken the native splice acceptor site; however, direct evidence is insufficient at this time (Ambry internal data). Alterations that disrupt the canonical splice site are expected to cause aberrant splicing, resulting in an abnormal protein or a transcript that is subject to nonsense-mediated mRNA decay. Based on the supporting evidence, this alteration is interpreted as a disease-causing mutation.

Labcorp Genetics (formerly Invitae), Labcorp
Classification: Likely pathogenic for Hereditary nonpolyposis colon cancer. Last evaluated: 2018-06-12. Review status: criteria provided, single submitter. Criteria: Invitae Variant Classification Sherloc (09022015). Collection method: clinical testing. Allele origin: germline.
Comment: This sequence change affects an acceptor splice site in intron 3 of the PMS2 gene. It is expected to disrupt RNA splicing and likely results in an absent or disrupted protein product. This variant is not present in population databases (ExAC no frequency). This variant has not been reported in the literature in individuals with PMS2-related disease. Donor and acceptor splice site variants typically lead to a loss of protein function (PMID: 16199547), and loss-of-function variants in PMS2 are known to be pathogenic (PMID: 21376568, 24362816). In summary, the currently available evidence indicates that the variant is pathogenic, but additional data are needed to prove that conclusively. Therefore, this variant has been classified as Likely Pathogenic.

Literature cited by the submitters: PubMed 21376568 (cited by Labcorp Genetics (formerly Invitae), Labcorp); PubMed 24362816 (cited by Labcorp Genetics (formerly Invitae), Labcorp).

NM_000535.7(PMS2):c.251-1G>T

Gene: PMS2 (PMS1 homolog 2, mismatch repair system component; minus strand). Cytogenetic location: 7p22.1.
Variant type: single nucleotide variant.
Coding change: c.251-1G>T on transcript NM_000535.7 (MANE Select); the canonical splice acceptor site of the intron before coding-DNA position 251, G replaced by T.
Molecular consequence: splice acceptor variant. On other transcripts: missense variant (1), intron variant (11).
Genome position (GRCh38, 1-based): chr7:6,003,793, C>A on the plus strand (G>T on the coding strand, the complement: PMS2 is on the minus strand). VCF-style: chr7-6003793-C-A. GRCh37 (hg19) VCF-style: chr7-6043424-C-A.
Other names: c.274G>T, p.Ala92Ser (NM_001406868.1); c.35+179G>T (NM_001322008.2, NM_001406902.1, NM_001406883.1 and 4 more transcripts); c.-132+179G>T (NM_001406881.1, NM_001406900.1); c.-102-1G>T (NM_001406895.1, NM_001406904.1, NM_001406889.1 and 6 more transcripts); c.-155-1G>T (NM_001406911.1, NM_001322010.2, NM_001322004.2 and 13 more transcripts); c.-234-1G>T (NM_001406879.1, NM_001322015.2, NM_001406878.1 and 3 more transcripts); c.-634-1G>T (NM_001322012.2, NM_001322011.2); c.-52-1157G>T (NM_001406896.1); and 5 more; short protein forms A92S.
Identifiers: ClinVar variation 569237 (VCV000569237.4), dbSNP rs764171734, ClinGen allele CA366744734.